The following is an entry in ClinVar:

ClinVar aggregate classification (germline): Uncertain significance. Review status: criteria provided, multiple submitters, no conflicts (2 of 4 stars). 3 submissions from 3 submitters: Uncertain significance (3). Last evaluated 2025-07-31.

Conditions:
Hereditary cancer-predisposing syndrome. Also called: Neoplastic Syndromes, Hereditary; Tumor predisposition; Hereditary neoplastic syndrome; Hereditary Cancer Syndrome. Identifiers: Orphanet 140162, MedGen C0027672, MeSH D009386, MONDO:0015356.
Familial cancer of breast. Also called: Hereditary breast cancer; hereditary breast carcinoma; BREAST CANCER, FAMILIAL. Identifiers: Orphanet 227535, MedGen C0346153, MONDO:0016419, OMIM 114480. Disease mechanism: loss of function.

Allele frequency attached by ClinVar (database versions not stated): gnomAD exomes below 0.00001.
gnomAD v4.1: 1 of 1,614,144 alleles (0.000062%); highest among the groups gnomAD compares: Non-Finnish European, 0.000085%; no homozygotes.

Submissions (3):

Labcorp Genetics (formerly Invitae), Labcorp
Classification: Uncertain significance for Familial cancer of breast. Last evaluated: 2025-07-31. Review status: criteria provided, single submitter. Criteria: Invitae Variant Classification Sherloc (09022015). Collection method: clinical testing. Allele origin: germline.
Comment: This sequence change replaces leucine, which is neutral and non-polar, with methionine, which is neutral and non-polar, at codon 289 of the PALB2 protein (p.Leu289Met). This variant is not present in population databases (gnomAD no frequency). This variant has not been reported in the literature in individuals affected with PALB2-related conditions. ClinVar contains an entry for this variant (Variation ID: 840704). An algorithm developed to predict the effect of missense changes on protein structure and function (PolyPhen-2) suggests that this variant is likely to be disruptive. In summary, the available evidence is currently insufficient to determine the role of this variant in disease. Therefore, it has been classified as a Variant of Uncertain Significance.

Ambry Genetics
Classification: Uncertain significance for Hereditary cancer-predisposing syndrome. Last evaluated: 2025-07-04. Review status: criteria provided, single submitter. Criteria: Ambry Variant Classification Scheme 2023. Collection method: clinical testing. Allele origin: germline.
Comment: The p.L289M variant (also known as c.865T>A), located in coding exon 4 of the PALB2 gene, results from a T to A substitution at nucleotide position 865. The leucine at codon 289 is replaced by methionine, an amino acid with highly similar properties. This amino acid position is conserved. In addition, this alteration is predicted to be tolerated by in silico analysis. Based on the available evidence, the clinical significance of this variant remains unclear.

Color Diagnostics, LLC DBA Color Health
Classification: Uncertain significance for Hereditary cancer-predisposing syndrome. Last evaluated: 2024-03-07. Review status: criteria provided, single submitter. Criteria: ACMG Guidelines, 2015. Collection method: clinical testing. Allele origin: germline.
Comment: This missense variant replaces leucine with methionine at codon 289 of the PALB2 protein. Computational prediction suggests that this variant may not impact protein structure and function (internally defined REVEL score threshold <= 0.5, PMID: 27666373). To our knowledge, functional studies have not been reported for this variant. This variant has not been reported in individuals affected with hereditary cancer in the literature. This variant has not been identified in the general population by the Genome Aggregation Database (gnomAD). The available evidence is insufficient to determine the role of this variant in disease conclusively. Therefore, this variant is classified as a Variant of Uncertain Significance.

NM_024675.4(PALB2):c.865T>A (p.Leu289Met)

Gene: PALB2 (partner and localizer of BRCA2; minus strand). Cytogenetic location: 16p12.2.
Variant type: single nucleotide variant.
Coding change: c.865T>A on transcript NM_024675.4 (MANE Select); coding-DNA position 865, T replaced by A.
Protein change: p.Leu289Met; replaces leucine 289 with methionine.
Molecular consequence: missense variant.
Genome position (GRCh38, 1-based): chr16:23,635,681, A>T on the plus strand (T>A on the coding strand, the complement: PALB2 is on the minus strand). VCF-style: chr16-23635681-A-T. GRCh37 (hg19) VCF-style: chr16-23647002-A-T.
Other names: short protein forms L289M.
Identifiers: ClinVar variation 840704 (VCV000840704.16), dbSNP rs1967014008, ClinGen allele CA395135807.